The following is an entry in ClinVar:

ClinVar aggregate classification (germline): Uncertain significance (1 of 4 stars; one submission).

Conditions:
Hereditary pancreatitis (PCTT). Also called: Hereditary chronic pancreatitis; PRSS1-Related Hereditary Pancreatitis. Identifiers: Orphanet 676, MedGen C0238339, MONDO:0008185, OMIM 167800.

Submission:

Ambry Genetics
Classification: Uncertain significance for Hereditary pancreatitis. Last evaluated: 2022-08-13. Review status: criteria provided, single submitter. Criteria: Ambry Variant Classification Scheme 2023. Collection method: clinical testing. Allele origin: germline.
Comment: The p.V123E variant (also known as c.368T>A), located in coding exon 3 of the PRSS1 gene, results from a T to A substitution at nucleotide position 368. The valine at codon 123 is replaced by glutamic acid, an amino acid with dissimilar properties. This amino acid position is conserved. In addition, this alteration is predicted to be deleterious by in silico analysis. Since supporting evidence is limited at this time, the clinical significance of this alteration remains unclear.

NM_002769.5(PRSS1):c.368T>A (p.Val123Glu)

Genes: TRB (T cell receptor beta locus; plus strand), PRSS1 (serine protease 1; plus strand). Cytogenetic location: 7q34.
Variant type: single nucleotide variant.
Coding change: c.368T>A on transcript NM_002769.5 (MANE Select); coding-DNA position 368, T replaced by A.
Protein change: p.Val123Glu; replaces valine 123 with glutamic acid.
Molecular consequence: missense variant. On other transcripts: non-coding transcript variant (5).
Genome position (GRCh38, 1-based): chr7:142,751,941, T>A. VCF-style: chr7-142751941-T-A. GRCh37 (hg19) VCF-style: chr7-142459792-T-A.
Other names: short protein forms V123E.
Identifiers: ClinVar variation 1733953 (VCV001733953.2), dbSNP rs1798774940, ClinGen allele CA369608960.